The following is an entry in ClinVar:

NM_003280.3(TNNC1):c.358A>C (p.Met120Leu)

Gene: TNNC1 (troponin C1, slow skeletal and cardiac type; minus strand). Cytogenetic location: 3p21.1.
Variant type: single nucleotide variant.
Coding change: c.358A>C on transcript NM_003280.3 (MANE Select); coding-DNA position 358, A replaced by C.
Protein change: p.Met120Leu; replaces methionine 120 with leucine.
Molecular consequence: missense variant.
Genome position (GRCh38, 1-based): chr3:52,451,487, T>G on the plus strand (A>C on the coding strand, the complement: TNNC1 is on the minus strand). VCF-style: chr3-52451487-T-G. GRCh37 (hg19) VCF-style: chr3-52485503-T-G.
Other names: short protein forms M120L.
Identifiers: ClinVar variation 3763212 (VCV003763212.3).

ClinVar aggregate classification (germline): Uncertain significance. Review status: criteria provided, multiple submitters, no conflicts (2 of 4 stars). 2 submissions from 2 submitters: Uncertain significance (2). Last evaluated 2026-07-07.

Conditions:
Dilated cardiomyopathy 1Z (CMD1Z). Identifiers: Orphanet 154, MedGen C2678475, MONDO:0012745, OMIM 611879.
Hypertrophic cardiomyopathy 13. Also called: TNNC1-Related Familial Hypertrophic Cardiomyopathy. Identifiers: MedGen C2750472, MONDO:0013195, OMIM 613243.
Cardiovascular phenotype. Identifiers: MedGen CN230736.

Submissions (2):

Ambry Genetics
Classification: Uncertain significance for Cardiovascular phenotype. Last evaluated: 2026-07-07. Review status: criteria provided, single submitter. Criteria: Ambry Variant Classification Scheme 2023. Collection method: clinical testing. Allele origin: germline.
Comment: The p.M120L variant (also known as c.358A>C), located in coding exon 5 of the TNNC1 gene, results from an A to C substitution at nucleotide position 358. The methionine at codon 120 is replaced by leucine, an amino acid with highly similar properties. This amino acid position is conserved. In addition, the in silico prediction for this alteration is inconclusive. Based on the available evidence, the clinical significance of this variant remains unclear.

Labcorp Genetics (formerly Invitae), Labcorp
Classification: Uncertain significance for Hypertrophic cardiomyopathy 13; Dilated cardiomyopathy 1Z. Last evaluated: 2024-11-16. Review status: criteria provided, single submitter. Criteria: Invitae Variant Classification Sherloc (09022015). Collection method: clinical testing. Allele origin: germline.
Comment: This sequence change replaces methionine, which is neutral and non-polar, with leucine, which is neutral and non-polar, at codon 120 of the TNNC1 protein (p.Met120Leu). This variant is not present in population databases (gnomAD no frequency). This variant has not been reported in the literature in individuals affected with TNNC1-related conditions. An algorithm developed to predict the effect of missense changes on protein structure and function (PolyPhen-2) suggests that this variant is likely to be disruptive. In summary, the available evidence is currently insufficient to determine the role of this variant in disease. Therefore, it has been classified as a Variant of Uncertain Significance.